The following is an entry in ClinVar:

NM_145725.3(TRAF3):c.1376A>G (p.Tyr459Cys)

Gene: TRAF3 (TNF receptor associated factor 3; plus strand). Cytogenetic location: 14q32.32.
Variant type: single nucleotide variant.
Coding change: c.1376A>G on transcript NM_145725.3 (MANE Select); coding-DNA position 1376, A replaced by G.
Protein change: p.Tyr459Cys; replaces tyrosine 459 with cysteine.
Molecular consequence: missense variant.
Genome position (GRCh38, 1-based): chr14:102,905,453, A>G. VCF-style: chr14-102905453-A-G. GRCh37 (hg19) VCF-style: chr14-103371790-A-G.
Other names: c.1127A>G, p.Tyr376Cys (NM_001199427.2); c.1235A>G, p.Tyr412Cys (NM_001385142.1); c.1295A>G, p.Tyr432Cys (NM_001385143.1); c.1376A>G, p.Tyr459Cys (NM_003300.4); c.1301A>G, p.Tyr434Cys (NM_145726.3); short protein forms Y376C, Y434C, Y459C, Y412C, Y432C.
Identifiers: ClinVar variation 860432 (VCV000860432.10), dbSNP rs1890541351, ClinGen allele CA391076707.

ClinVar aggregate classification (germline): Uncertain significance (1 of 4 stars; one submission).

Conditions:
Immunodeficiency 132A. Also called: Herpes simplex encephalitis, susceptibility to, 3. Identifiers: Orphanet 1930, MedGen C3553868, MONDO:0013920, OMIM 614849.

Submission:

Labcorp Genetics (formerly Invitae), Labcorp
Classification: Uncertain significance for Immunodeficiency 132A. Last evaluated: 2023-10-13. Review status: criteria provided, single submitter. Criteria: Invitae Variant Classification Sherloc (09022015). Collection method: clinical testing. Allele origin: germline.
Comment: This sequence change replaces tyrosine, which is neutral and polar, with cysteine, which is neutral and slightly polar, at codon 459 of the TRAF3 protein (p.Tyr459Cys). This variant is not present in population databases (gnomAD no frequency). This variant has not been reported in the literature in individuals affected with TRAF3-related conditions. ClinVar contains an entry for this variant (Variation ID: 860432). An algorithm developed to predict the effect of missense changes on protein structure and function (PolyPhen-2) suggests that this variant is likely to be disruptive. In summary, the available evidence is currently insufficient to determine the role of this variant in disease. Therefore, it has been classified as a Variant of Uncertain Significance.